The following is an entry in ClinVar:

NM_001077415.3(CRELD1):c.1049-317C>T

Gene: CRELD1 (CRELD disulfide isomerase 1; plus strand). Cytogenetic location: 3p25.3.
Variant type: single nucleotide variant.
Coding change: c.1049-317C>T on transcript NM_001077415.3 (MANE Select); 317 bases into the intron before coding-DNA position 1049, C replaced by T.
Molecular consequence: intron variant. On other transcripts: synonymous variant (3), 3 prime UTR variant (1).
Genome position (GRCh38, 1-based): chr3:9,944,048, C>T. VCF-style: chr3-9944048-C-T. GRCh37 (hg19) VCF-style: chr3-9985732-C-T.
Other names: c.1195C>T (NM_001031717.3); c.1195C>T, p.Leu399= (NM_001031717.4); c.1207C>T, p.Leu403= (NM_001374317.1, NM_001374318.1); c.*297C>T (NM_001410713.1); c.965-317C>T (NM_001374319.1, NM_001374320.1); c.1049-317C>T (NM_001374316.1, NM_015513.6).
Identifiers: ClinVar variation 2790048 (VCV002790048.5), dbSNP rs150585098, ClinGen allele CA2247954.

ClinVar aggregate classification (germline): Likely benign. Review status: criteria provided, single submitter (1 of 4 stars). 2 submissions from 2 submitters: Likely benign (1). 1 of the submissions does not count toward it. Last evaluated 2024-05-07.

Conditions:
Atrioventricular septal defect, susceptibility to, 2. Identifiers: MedGen C1853508, MONDO:0011650, OMIM 606217.
CRELD1-related disorder. Also called: CRELD1-related condition.

Allele frequency attached by ClinVar (database versions not stated): ExAC 0.00009; 1000 Genomes Project 30x 0.00016; 1000 Genomes Project 0.00020; gnomAD 0.00021; TOPMed 0.00027; ESP Exome Variant Server 0.00046.

Submissions (2):

Labcorp Genetics (formerly Invitae), Labcorp
Classification: Likely benign for Atrioventricular septal defect, susceptibility to, 2. Last evaluated: 2024-05-07. Review status: criteria provided, single submitter. Criteria: Invitae Variant Classification Sherloc (09022015). Collection method: clinical testing. Allele origin: germline.

PreventionGenetics, part of Exact Sciences
Classification: Likely benign for CRELD1-related condition. Last evaluated: 2020-12-16. Review status: no assertion criteria provided. Collection method: clinical testing. Allele origin: germline. Not counted in ClinVar's aggregate classification.
Comment: This variant is classified as likely benign based on ACMG/AMP sequence variant interpretation guidelines (Richards et al. 2015 PMID: 25741868, with internal and published modifications).